The following is an entry in ClinVar:

NM_006267.5(RANBP2):c.3170C>T (p.Pro1057Leu)

Gene: RANBP2 (RAN binding protein 2; plus strand). Cytogenetic location: 2q13.
Variant type: single nucleotide variant.
Coding change: c.3170C>T on transcript NM_006267.5 (MANE Select); coding-DNA position 3170, C replaced by T.
Protein change: p.Pro1057Leu; replaces proline 1057 with leucine.
Molecular consequence: missense variant.
Genome position (GRCh38, 1-based): chr2:108,763,709, C>T. VCF-style: chr2-108763709-C-T. GRCh37 (hg19) VCF-style: chr2-109380165-C-T.
Other names: short protein forms P1057L.
Identifiers: ClinVar variation 843813 (VCV000843813.34), dbSNP rs150151795, ClinGen allele CA1822891.

ClinVar aggregate classification (germline): Conflicting classifications of pathogenicity. Review status: criteria provided, conflicting classifications (1 of 4 stars). 3 submissions from 3 submitters: Uncertain significance (2); Likely benign (1). Last evaluated 2024-08-27.

Conditions:
Familial acute necrotizing encephalopathy (IIAE3). Also called: ENCEPHALOPATHY, ACUTE, INFECTION-INDUCED, SUSCEPTIBILITY TO, 3; Susceptibility to Acute Necrotizing Encephalopathy 1. Identifiers: Orphanet 88619, MedGen C2675556, MONDO:0011953, OMIM 608033.

Allele frequency attached by ClinVar (database versions not stated): TOPMed 0.00004; gnomAD exomes 0.00005 and 0.00009; ExAC 0.00007; gnomAD 0.00007 and 0.00008; ESP Exome Variant Server 0.00015.
gnomAD v4.1: 144 of 1,613,970 alleles (0.0089%); highest among the groups gnomAD compares: Non-Finnish European, 0.012%; no homozygotes.

Submissions (3):

Ambry Genetics
Classification: Uncertain significance. Last evaluated: 2024-08-27. Review status: criteria provided, single submitter. Criteria: Ambry Variant Classification Scheme 2023. Collection method: clinical testing. Allele origin: germline.

CeGaT Center for Human Genetics Tuebingen
Classification: Likely benign. Last evaluated: 2023-11-01. Review status: criteria provided, single submitter. Criteria: CeGaT Center For Human Genetics Tuebingen Variant Classification Criteria Version 2. Collection method: clinical testing. Allele origin: germline. Affected: yes. Observed: 1 variant allele.
Comment: RANBP2: BP4

Labcorp Genetics (formerly Invitae), Labcorp
Classification: Uncertain significance for Familial acute necrotizing encephalopathy. Last evaluated: 2020-10-22. Review status: criteria provided, single submitter. Criteria: Invitae Variant Classification Sherloc (09022015). Collection method: clinical testing. Allele origin: germline.
Comment: This sequence change replaces proline with leucine at codon 1057 of the RANBP2 protein (p.Pro1057Leu). The proline residue is moderately conserved and there is a moderate physicochemical difference between proline and leucine. This variant is present in population databases (rs150151795, ExAC 0.01%), and has an allele count higher than expected for a pathogenic variant (PMID: 28166811). This variant has not been reported in the literature in individuals with RANBP2-related conditions. Algorithms developed to predict the effect of missense changes on protein structure and function are either unavailable or do not agree on the potential impact of this missense change (SIFT: "Deleterious"; PolyPhen-2: "Benign"; Align-GVGD: "Class C15"). In summary, the available evidence is currently insufficient to determine the role of this variant in disease. Therefore, it has been classified as a Variant of Uncertain Significance.

Literature cited by the submitters: PubMed 28166811 (cited by Labcorp Genetics (formerly Invitae), Labcorp).